The following is an entry in ClinVar:

ClinVar aggregate classification (germline): Uncertain significance. Review status: criteria provided, multiple submitters, no conflicts (2 of 4 stars). 3 submissions from 3 submitters: Uncertain significance (3). Last evaluated 2026-05-20.

Conditions:
Inborn genetic diseases. Identifiers: MedGen C0950123, MeSH D030342.

Allele frequency attached by ClinVar (database versions not stated): ExAC 0.00006; TOPMed 0.00001; 1000 Genomes Project 30x 0.00016; 1000 Genomes Project 0.00020; gnomAD 0.00003.
gnomAD v4.1: 25 of 1,613,592 alleles (0.0015%); highest among the groups gnomAD compares: South Asian, 0.012%; no homozygotes.

Submissions (3):

Ambry Genetics
Classification: Uncertain significance for Inborn genetic diseases. Last evaluated: 2026-05-20. Review status: criteria provided, single submitter. Criteria: Ambry Variant Classification Scheme 2023. Collection method: clinical testing. Allele origin: germline.

Labcorp Genetics (formerly Invitae), Labcorp
Classification: Uncertain significance. Last evaluated: 2023-07-12. Review status: criteria provided, single submitter. Criteria: Invitae Variant Classification Sherloc (09022015). Collection method: clinical testing. Allele origin: germline.
Comment: In summary, the available evidence is currently insufficient to determine the role of this variant in disease. Therefore, it has been classified as a Variant of Uncertain Significance. Advanced modeling of protein sequence and biophysical properties (such as structural, functional, and spatial information, amino acid conservation, physicochemical variation, residue mobility, and thermodynamic stability) performed at Invitae indicates that this missense variant is not expected to disrupt PMPCA protein function. This variant has not been reported in the literature in individuals affected with PMPCA-related conditions. This variant is present in population databases (rs539008499, gnomAD 0.02%). This sequence change replaces arginine, which is basic and polar, with glutamine, which is neutral and polar, at codon 235 of the PMPCA protein (p.Arg235Gln).

Mayo Clinic Laboratories, Mayo Clinic
Classification: Uncertain significance. Last evaluated: 2023-05-31. Review status: criteria provided, single submitter. Criteria: ACMG Guidelines, 2015. Collection method: clinical testing. Allele origin: germline. Observed: 1 variant allele.
Comment: BP4

NM_015160.3(PMPCA):c.704G>A (p.Arg235Gln)

Genes: PMPCA (peptidase, mitochondrial processing subunit alpha; plus strand), LOC126860792 (CDK7 strongly-dependent group 2 enhancer GRCh37_chr9:139310410-139311609; plus strand). Cytogenetic location: 9q34.3.
Variant type: single nucleotide variant.
Coding change: c.704G>A on transcript NM_015160.3 (MANE Select); coding-DNA position 704, G replaced by A.
Protein change: p.Arg235Gln; replaces arginine 235 with glutamine.
Molecular consequence: missense variant.
Genome position (GRCh38, 1-based): chr9:136,417,021, G>A. VCF-style: chr9-136417021-G-A. GRCh37 (hg19) VCF-style: chr9-139311473-G-A.
Other names: p.Arg235Gln; c.704G>A (NM_015160.1); c.311G>A, p.Arg104Gln (NM_001282944.2); c.404G>A, p.Arg135Gln (NM_001282946.2); short protein forms R104Q, R135Q, R235Q.
Identifiers: ClinVar variation 2683091 (VCV002683091.5), dbSNP rs539008499, ClinGen allele CA5336129.